The following is an entry in ClinVar:

NM_004472.3(FOXD1):c.153GCG[5] (p.Arg57del)

Gene: FOXD1 (forkhead box D1; minus strand). Cytogenetic location: 5q13.2.
Variant type: Microsatellite.
Coding change: c.153GCG[5] on transcript NM_004472.3 (MANE Select); five copies in a row of the 3-base unit GCG starting at c.153; the reference has six copies in a row; one copy, 3 bases deleted.
Protein change: p.Arg57del; deletes arginine 57.
Genome position (GRCh38, 1-based): chr5:73,448,193-73,448,195, CGC deleted on the plus strand (GCG on the coding strand, the reverse complement: FOXD1 is on the minus strand); deleting any 3 consecutive bases within chr5:73,448,193-73,448,210 gives the same sequence; the position shown is the placement nearest the transcript's 3' end. VCF-style (leftmost placement, unchanged base first): chr5-73448192-GCGC-G. GRCh37 (hg19) VCF-style: chr5-72744017-GCGC-G.
Other names: short protein forms R57del.
Identifiers: ClinVar variation 3055836 (VCV003055836.2), dbSNP rs750578392, ClinGen allele CA3303117.

ClinVar aggregate classification (germline): Benign (0 of 4 stars; one submission).

Conditions:
FOXD1-related disorder. Also called: FOXD1-related condition.

Submission:

PreventionGenetics, part of Exact Sciences
Classification: Benign for FOXD1-related condition. Last evaluated: 2019-07-11. Review status: no assertion criteria provided. Collection method: clinical testing. Allele origin: germline.
Comment: This variant is classified as benign based on ACMG/AMP sequence variant interpretation guidelines (Richards et al. 2015 PMID: 25741868, with internal and published modifications).